The following is an entry in ClinVar:

NM_000257.4(MYH7):c.4870G>A (p.Glu1624Lys)

Genes: MHRT (myosin heavy chain associated RNA transcript; plus strand), MYH7 (myosin heavy chain 7; minus strand), LOC126861897 (BRD4-independent group 4 enhancer GRCh37_chr14:23884455-23885654; plus strand). Cytogenetic location: 14q11.2.
Variant type: single nucleotide variant.
Coding change: c.4870G>A on transcript NM_000257.4 (MANE Select); coding-DNA position 4870, G replaced by A.
Protein change: p.Glu1624Lys; replaces glutamic acid 1624 with lysine.
Molecular consequence: missense variant. On other transcripts: non-coding transcript variant (1).
Genome position (GRCh38, 1-based): chr14:23,416,087, C>T on the plus strand (G>A on the coding strand, the complement: MYH7 is on the minus strand). VCF-style: chr14-23416087-C-T. GRCh37 (hg19) VCF-style: chr14-23885296-C-T.
Other names: short protein forms E1624K.
Identifiers: ClinVar variation 1477628 (VCV001477628.8), dbSNP rs2138641790, ClinGen allele CA389037466.
Genomic context (GRCh38, chr14:23,416,087, plus strand): 5'-TGACTTGCTTCTGGGCCTCGGCGGCCATGCGGTTGGCGTGGCTGAGCTGGATCTCCATCT[C>T]ATTGAGGTCTCCTTCCATCTTCTTCTTCACCCTCAGGGCCTCGTTGCGGCTGCGTGTCTC-3'
Protein context (NP_000248.2, residues 1614-1634): VKKKMEGDLN[Glu1624Lys]MEIQLSHANR

ClinVar aggregate classification (germline): Uncertain significance (1 of 4 stars; one submission).

Conditions:
Hypertrophic cardiomyopathy. Also called: HYPERTROPHIC MYOCARDIOPATHY. Identifiers: Orphanet 217569, MedGen C0007194, MeSH D002312, MONDO:0005045, HP:0001639.

Submission:

Labcorp Genetics (formerly Invitae), Labcorp
Classification: Uncertain significance for Hypertrophic cardiomyopathy. Last evaluated: 2021-05-13. Review status: criteria provided, single submitter. Criteria: Invitae Variant Classification Sherloc (09022015). Collection method: clinical testing. Allele origin: germline.
Comment: Algorithms developed to predict the effect of missense changes on protein structure and function are either unavailable or do not agree on the potential impact of this missense change (SIFT: "Deleterious"; PolyPhen-2: "Possibly Damaging"; Align-GVGD: "Class C0"). This variant has not been reported in the literature in individuals with MYH7-related conditions. This variant is not present in population databases (ExAC no frequency). This sequence change replaces glutamic acid with lysine at codon 1624 of the MYH7 protein (p.Glu1624Lys). The glutamic acid residue is highly conserved and there is a small physicochemical difference between glutamic acid and lysine. In summary, the available evidence is currently insufficient to determine the role of this variant in disease. Therefore, it has been classified as a Variant of Uncertain Significance.